The following is an entry in ClinVar:

NM_001267550.2(TTN):c.36449-1G>T

Gene: TTN (titin; minus strand). Cytogenetic location: 2q31.2.
Variant type: single nucleotide variant.
Coding change: c.36449-1G>T on transcript NM_001267550.2 (MANE Select); the canonical splice acceptor site of the intron before coding-DNA position 36449, G replaced by T.
Molecular consequence: splice acceptor variant. On other transcripts: intron variant (5).
Genome position (GRCh38, 1-based): chr2:178,663,711, C>A on the plus strand (G>T on the coding strand, the complement: TTN is on the minus strand). VCF-style: chr2-178663711-C-A. GRCh37 (hg19) VCF-style: chr2-179528438-C-A.
Other names: c.13658-21394G>T (NM_133432.3); c.31484-656G>T (NM_133378.4); c.34265-656G>T (NM_001256850.1); c.13859-21394G>T (NM_133437.4); c.13283-21394G>T (NM_003319.4).
Identifiers: ClinVar variation 4813369 (VCV004813369.1).

ClinVar aggregate classification (germline): Likely pathogenic (1 of 4 stars; one submission).

Submission:

GeneDx
Classification: Likely pathogenic. Last evaluated: 2025-09-15. Review status: criteria provided, single submitter. Criteria: GeneDx Variant Classification Process June 2021. Collection method: clinical testing. Allele origin: germline. Affected: yes.
Comment: Canonical splice site variant predicted to result in an in-frame loss of the adjacent exon in a gene for which loss of function is a known mechanism of disease; Not observed at significant frequency in large population cohorts (gnomAD); Has not been previously published as pathogenic or benign to our knowledge; Located in a region of TTN in which the majority of pathogenic variants have been reported in association with autosomal recessive skeletal myopathies (PMID: 28040389, 29575618, 31660661, 32778822); This variant is associated with the following publications: (PMID: 28040389, 29575618, 31660661, 32778822)